The following is an entry in ClinVar:

ClinVar aggregate classification (germline): Uncertain significance. Review status: criteria provided, multiple submitters, no conflicts (2 of 4 stars). 2 submissions from 2 submitters: Uncertain significance (2). Last evaluated 2024-06-07.

Conditions:
Inborn genetic diseases. Identifiers: MedGen C0950123, MeSH D030342.
Neuronal ceroid lipofuscinosis 1 (CLN1). Also called: PPT1-Related Neuronal Ceroid-Lipofuscinosis; CEROID LIPOFUSCINOSIS, NEURONAL, 1, VARIABLE AGE AT ONSET. Identifiers: Orphanet 228329, MedGen C1850451, MONDO:0009744, OMIM 256730.

Allele frequency attached by ClinVar (database versions not stated): gnomAD exomes below 0.00001; ExAC 0.00001; TOPMed 0.00001; gnomAD 0.00003; 1000 Genomes Project 30x 0.00016; 1000 Genomes Project 0.00020.
gnomAD v4.1: 5 of 1,614,006 alleles (0.00031%); highest among the groups gnomAD compares: African/African-American, 0.0013%; no homozygotes.

Submissions (2):

Ambry Genetics
Classification: Uncertain significance for Inborn genetic diseases. Last evaluated: 2024-06-07. Review status: criteria provided, single submitter. Criteria: Ambry Variant Classification Scheme 2023. Collection method: clinical testing. Allele origin: germline.

Labcorp Genetics (formerly Invitae), Labcorp
Classification: Uncertain significance for Neuronal ceroid lipofuscinosis 1. Last evaluated: 2024-05-13. Review status: criteria provided, single submitter. Criteria: Invitae Variant Classification Sherloc (09022015). Collection method: clinical testing. Allele origin: germline.
Comment: This sequence change replaces arginine, which is basic and polar, with glutamine, which is neutral and polar, at codon 164 of the PPT1 protein (p.Arg164Gln). This variant is present in population databases (rs201892691, gnomAD 0.004%). This variant has not been reported in the literature in individuals affected with PPT1-related conditions. Advanced modeling of protein sequence and biophysical properties (such as structural, functional, and spatial information, amino acid conservation, physicochemical variation, residue mobility, and thermodynamic stability) performed at Invitae indicates that this missense variant is expected to disrupt PPT1 protein function with a positive predictive value of 80%. In summary, the available evidence is currently insufficient to determine the role of this variant in disease. Therefore, it has been classified as a Variant of Uncertain Significance.

NM_000310.4(PPT1):c.491G>A (p.Arg164Gln)

Gene: PPT1 (palmitoyl-protein thioesterase 1; minus strand). Cytogenetic location: 1p34.2.
Variant type: single nucleotide variant.
Coding change: c.491G>A on transcript NM_000310.4 (MANE Select); coding-DNA position 491, G replaced by A.
Protein change: p.Arg164Gln; replaces arginine 164 with glutamine.
Molecular consequence: missense variant.
Genome position (GRCh38, 1-based): chr1:40,089,455, C>T on the plus strand (G>A on the coding strand, the complement: PPT1 is on the minus strand). VCF-style: chr1-40089455-C-T. GRCh37 (hg19) VCF-style: chr1-40555127-C-T.
Other names: c.182G>A, p.Arg61Gln (NM_001142604.2); c.491G>A, p.Arg164Gln (NM_001363695.2); short protein forms R164Q, R61Q.
Identifiers: ClinVar variation 2897708 (VCV002897708.4), dbSNP rs201892691, ClinGen allele CA789676.
Genomic context (GRCh38, chr1:40,089,455, plus strand): 5'-GCTAACCATACATACCGTTCCTGAACAACTTTGGAGTACGCCCCAGCATTCAGTGTTTTT[C>T]GGATGAAGTCACAGATGTGAGAGCTCTCTCCTGGGCATCGAGGGAGTCCAAAAACACCTA-3'
Protein context (NP_000301.1, residues 154-174): GESSHICDFI[Arg164Gln]KTLNAGAYSK